The following is an entry in ClinVar:

ClinVar aggregate classification (germline): Uncertain significance. Review status: criteria provided, multiple submitters, no conflicts (2 of 4 stars). 2 submissions from 2 submitters: Uncertain significance (2). Last evaluated 2022-12-09.

Conditions:
Familial cold autoinflammatory syndrome 2 (FCAS2). Identifiers: Orphanet 247868, MedGen C2673198, MONDO:0012724, OMIM 611762.

Allele frequency attached by ClinVar (database versions not stated): gnomAD exomes below 0.00001; gnomAD 0.00001 and 0.00002; TOPMed 0.00003.
gnomAD v4.1: 6 of 1,614,018 alleles (0.00037%); highest among the groups gnomAD compares: African/African-American, 0.0067%; no homozygotes.

Submissions (2):

Laboratorio de Genetica e Diagnostico Molecular, Hospital Israelita Albert Einstein
Classification: Uncertain significance for Familial cold autoinflammatory syndrome 2. Last evaluated: 2022-12-09. Review status: criteria provided, single submitter. Criteria: ACMG Guidelines, 2015. Collection method: clinical testing. Allele origin: germline. Affected: yes. Observed: 1 variant allele.
Comment: ACMG classification criteria: PM2 supporting, BP4 supporting

Labcorp Genetics (formerly Invitae), Labcorp
Classification: Uncertain significance for Familial cold autoinflammatory syndrome 2. Last evaluated: 2022-05-12. Review status: criteria provided, single submitter. Criteria: Invitae Variant Classification Sherloc (09022015). Collection method: clinical testing. Allele origin: germline.
Comment: Algorithms developed to predict the effect of missense changes on protein structure and function are either unavailable or do not agree on the potential impact of this missense change (SIFT: "Tolerated"; PolyPhen-2: "Possibly Damaging"; Align-GVGD: "Class C0"). In summary, the available evidence is currently insufficient to determine the role of this variant in disease. Therefore, it has been classified as a Variant of Uncertain Significance. This variant has not been reported in the literature in individuals affected with NLRP12-related conditions. This variant is present in population databases (no rsID available, gnomAD 0.008%). This sequence change replaces serine, which is neutral and polar, with proline, which is neutral and non-polar, at codon 934 of the NLRP12 protein (p.Ser934Pro).

NM_144687.4(NLRP12):c.2800T>C (p.Ser934Pro)

Gene: NLRP12 (NLR family pyrin domain containing 12; minus strand). Cytogenetic location: 19q13.42.
Variant type: single nucleotide variant.
Coding change: c.2800T>C on transcript NM_144687.4 (MANE Select); coding-DNA position 2800, T replaced by C.
Protein change: p.Ser934Pro; replaces serine 934 with proline.
Molecular consequence: missense variant. On other transcripts: intron variant (1).
Genome position (GRCh38, 1-based): chr19:53,798,370, A>G on the plus strand (T>C on the coding strand, the complement: NLRP12 is on the minus strand). VCF-style: chr19-53798370-A-G. GRCh37 (hg19) VCF-style: chr19-54301624-A-G.
Other names: c.2803T>C, p.Ser935Pro (NM_001277126.2); c.2757-2341T>C (NM_001277129.1); short protein forms S935P, S934P.
Identifiers: ClinVar variation 1512825 (VCV001512825.8), dbSNP rs1379257772, ClinGen allele CA407407971.